The following is an entry in ClinVar:

GRCh37/hg19 15q13.3(chr15:32157104-32418879)x3

Gene: CHRNA7 (cholinergic receptor nicotinic alpha 7 subunit). Cytogenetic location: 15q13.3.
Variant type: copy number gain.
Change: copy number 3 (three copies instead of two) of chr15:32,157,104-32,418,879 (261.8 kb, GRCh37 coordinates, 1-based), cytogenetic band 15q13.3.
Identifiers: ClinVar variation 666450 (VCV000666450.4).

ClinVar aggregate classification (germline): risk factor (1 of 4 stars; one submission).

Conditions:
Intellectual disability. Also called: intellectual disabilities; Intellectual functioning disability; Intellectual developmental disorder. Identifiers: MedGen C3714756, MeSH D008607, MONDO:0001071, HP:0001249.

Submission:

Centro Nacional de Genética Medica, Administración Nacional de Laboratorios e Institutos de Salud (ANLIS) “Dr. Carlos G Malbrán”
Classification: risk factor for Intellectual disability. Last evaluated: 2020-06-16. Review status: criteria provided, single submitter. Criteria: ACMG CNV Guidelines, 2011. Collection method: clinical testing. Allele origin: maternal. Affected: yes.